The following is an entry in ClinVar:

NM_015409.5(EP400):c.6450+2T>G

Gene: EP400 (E1A binding protein p400; plus strand). Cytogenetic location: 12q24.33.
Variant type: single nucleotide variant.
Coding change: c.6450+2T>G on transcript NM_015409.5 (MANE Select); the canonical splice donor site of the intron after coding-DNA position 6450, T replaced by G.
Molecular consequence: splice donor variant.
Genome position (GRCh38, 1-based): chr12:132,043,730, T>G. VCF-style: chr12-132043730-T-G. GRCh37 (hg19) VCF-style: chr12-132528275-T-G.
Identifiers: ClinVar variation 4851680 (VCV004851680.1).

ClinVar aggregate classification (germline): Uncertain significance (1 of 4 stars; one submission).

Submission:

Greenwood Genetic Center Diagnostic Laboratories, Greenwood Genetic Center
Classification: Uncertain significance. Last evaluated: 2025-02-24. Review status: criteria provided, single submitter. Criteria: ACMG Guidelines, 2015. Collection method: clinical testing. Allele origin: germline.
Comment: Gene of Uncertain Significance